The following is an entry in ClinVar:

ClinVar aggregate classification (germline): Uncertain significance (1 of 4 stars; one submission).

Conditions:
RPGRIP1L-related disorder. Also called: RPGRIP1L-related disorders; RPGRIP1L-related condition. Identifiers: MedGen CN239416.

gnomAD v4.1: 2 of 1,614,074 alleles (0.00012%); highest among the groups gnomAD compares: Non-Finnish European, 0.00017%; no homozygotes.

Submission:

PreventionGenetics, part of Exact Sciences
Classification: Uncertain significance for RPGRIP1L-related condition. Last evaluated: 2025-02-27. Review status: criteria provided, single submitter. Criteria: ACMG Guidelines, 2015. Collection method: clinical testing. Allele origin: germline.
Comment: The RPGRIP1L c.2351C>T variant is predicted to result in the amino acid substitution p.Ser784Phe. To our knowledge, this variant has not been reported in the literature or in a large population database (gnomAD), indicating this variant is rare. At this time, the clinical significance of this variant is uncertain due to the absence of conclusive functional and genetic evidence.

NM_015272.5(RPGRIP1L):c.2351C>T (p.Ser784Phe)

Gene: RPGRIP1L (RPGRIP1 like; minus strand). Cytogenetic location: 16q12.2.
Variant type: single nucleotide variant.
Coding change: c.2351C>T on transcript NM_015272.5 (MANE Select); coding-DNA position 2351, C replaced by T.
Protein change: p.Ser784Phe; replaces serine 784 with phenylalanine.
Molecular consequence: missense variant.
Genome position (GRCh38, 1-based): chr16:53,645,957, G>A on the plus strand (C>T on the coding strand, the complement: RPGRIP1L is on the minus strand). VCF-style: chr16-53645957-G-A. GRCh37 (hg19) VCF-style: chr16-53679869-G-A.
Other names: c.2351C>T, p.Ser784Phe (NM_001127897.4, NM_001308334.3, NM_001330538.2); short protein forms S784F.
Identifiers: ClinVar variation 4996998 (VCV004996998.1).
Genomic context (GRCh38, chr16:53,645,957, plus strand): 5'-GACTGCAGGTGGTTGCAACATCTTATTGTAATGTGAAGTTCATTTAAGTTGCCATCTGTG[G>A]AATCTGTAGAACTGAGTTGAGCAGTTTTGGGTGCTTGCTGACTTAACTGGAAAAACATAC-3'
Protein context (NP_056087.2, residues 774-794): PKTAQLSSTD[Ser784Phe]TDGNLNELHI